The following is an entry in ClinVar:

NM_000257.4(MYH7):c.2211T>C (p.Asp737=)

Gene: MYH7 (myosin heavy chain 7; minus strand). Cytogenetic location: 14q11.2.
Variant type: single nucleotide variant.
Coding change: c.2211T>C on transcript NM_000257.4 (MANE Select); coding-DNA position 2211, T replaced by C.
Protein change: p.Asp737=; no amino-acid change (aspartic acid 737 retained).
Molecular consequence: synonymous variant.
Genome position (GRCh38, 1-based): chr14:23,425,770, A>G on the plus strand (T>C on the coding strand, the complement: MYH7 is on the minus strand). VCF-style: chr14-23425770-A-G. GRCh37 (hg19) VCF-style: chr14-23894979-A-G.
Identifiers: ClinVar variation 696988 (VCV000696988.11), dbSNP rs1595083496, ClinGen allele CA485766977.
Genomic context (GRCh38, chr14:23,425,770, plus strand): 5'-CTTGTACTGGTTGTGATCAATGTCCAGGGAGCTGAGCAGCTTCTCTGCCCCCTTCCTGCT[A>G]TCAATGAACTGTCCCTCAGGGATGGCCGCTGGGTTCAGGATGCGATACCTGAGGAGGGAA-3'
Protein context (NP_000248.2, residues 727-747): PAAIPEGQFI[Asp737=]SRKGAEKLLS

ClinVar aggregate classification (germline): Likely benign. Review status: criteria provided, multiple submitters, no conflicts (2 of 4 stars). 2 submissions from 2 submitters: Likely benign (2). Last evaluated 2025-09-03.

Conditions:
Cardiomyopathy (CMYO). Also called: Cardiomyopathies. Identifiers: Orphanet 167848, MedGen C0878544, MONDO:0004994, HP:0001638. Inheritance: Various modes of inheritance.
Hypertrophic cardiomyopathy. Also called: HYPERTROPHIC MYOCARDIOPATHY. Identifiers: Orphanet 217569, MedGen C0007194, MeSH D002312, MONDO:0005045, HP:0001639.

Allele frequency attached by ClinVar (database versions not stated): gnomAD exomes 0.00001; TOPMed 0.00001.
gnomAD v4.1: 8 of 1,613,992 alleles (0.0005%); highest among the groups gnomAD compares: Admixed American, 0.0033%; no homozygotes.

Submissions (2):

Labcorp Genetics (formerly Invitae), Labcorp
Classification: Likely benign for Hypertrophic cardiomyopathy. Last evaluated: 2025-09-03. Review status: criteria provided, single submitter. Criteria: Invitae Variant Classification Sherloc (09022015). Collection method: clinical testing. Allele origin: germline.

All of Us Research Program, National Institutes of Health
Classification: Likely benign for Cardiomyopathy. Last evaluated: 2023-09-17. Review status: criteria provided, single submitter. Criteria: ACMG Guidelines, 2015. Collection method: clinical testing. Allele origin: germline. Inheritance: Autosomal dominant inheritance. Observed: 3 variant alleles, 3 heterozygotes.
Comment: This study involves interpretation of variants in research participants for the purpose of population health screening. Participant phenotype was not available at the time of variant classification. Additional details can be found in publication PMID: 35346344, PMCID: PMC8962531